The following is an entry in ClinVar:

ClinVar aggregate classification (germline): Likely benign. Review status: criteria provided, multiple submitters, no conflicts (2 of 4 stars). 3 submissions from 3 submitters: Likely benign (3). Last evaluated 2025-08-29.

Conditions:
Cardiovascular phenotype. Identifiers: MedGen CN230736.

Allele frequency attached by ClinVar (database versions not stated): gnomAD 0.00001; gnomAD exomes 0.00001; TOPMed 0.00001.

Submissions (3):

Labcorp Genetics (formerly Invitae), Labcorp
Classification: Likely benign. Last evaluated: 2025-08-29. Review status: criteria provided, single submitter. Criteria: Invitae Variant Classification Sherloc (09022015). Collection method: clinical testing. Allele origin: germline.

Ambry Genetics
Classification: Likely benign for Cardiovascular phenotype. Last evaluated: 2022-12-16. Review status: criteria provided, single submitter. Criteria: Ambry Variant Classification Scheme 2023. Collection method: clinical testing. Allele origin: germline.

GeneDx
Classification: Likely benign. Last evaluated: 2017-08-28. Review status: criteria provided, single submitter. Criteria: GeneDx Variant Classification (06012015). Collection method: clinical testing. Allele origin: germline. Affected: yes.
Comment: This variant is considered likely benign or benign based on one or more of the following criteria: it is a conservative change, it occurs at a poorly conserved position in the protein, it is predicted to be benign by multiple in silico algorithms, and/or has population frequency not consistent with disease.

NM_020778.5(ALPK3):c.2748G>A (p.Leu916=)

Gene: ALPK3 (alpha kinase 3; plus strand). Cytogenetic location: 15q25.3.
Variant type: single nucleotide variant.
Coding change: c.2748G>A on transcript NM_020778.5 (MANE Select); coding-DNA position 2748, G replaced by A.
Protein change: p.Leu916=; no amino-acid change (leucine 916 retained).
Molecular consequence: synonymous variant.
Genome position (GRCh38, 1-based): chr15:84,857,486, G>A. VCF-style: chr15-84857486-G-A. GRCh37 (hg19) VCF-style: chr15-85400717-G-A.
Identifiers: ClinVar variation 511781 (VCV000511781.5), dbSNP rs1397241134, ClinGen allele CA492273642.
Genomic context (GRCh38, chr15:84,857,486, plus strand): 5'-CTTCCTGCCCTCTGAGGATCAGGTCCTGATGAGTTCTGCCCCAACACTGCACCTGGGGCT[G>A]GGGACCCCCACTCAGAGTCACCCACCAGAAACCATGGCCACCAGCAGTGAGGGGGCCTGC-3'
Protein context (NP_065829.4, residues 906-926): MSSAPTLHLG[Leu916=]GTPTQSHPPE